The following is an entry in ClinVar:

ClinVar aggregate classification (germline): Uncertain significance (1 of 4 stars; one submission).

Submission:

Ambry Genetics
Classification: Uncertain significance. Last evaluated: 2024-12-05. Review status: criteria provided, single submitter. Criteria: Ambry Variant Classification Scheme 2023. Collection method: clinical testing. Allele origin: germline.
Comment: The p.L658I variant (also known as c.1972C>A), located in coding exon 20 of the RASA2 gene, results from a C to A substitution at nucleotide position 1972. The leucine at codon 658 is replaced by isoleucine, an amino acid with highly similar properties. This amino acid position is conserved. In addition, the in silico prediction for this alteration is inconclusive. Based on the available evidence, the clinical significance of this variant remains unclear.

NM_006506.5(RASA2):c.1972C>A (p.Leu658Ile)

Gene: RASA2 (RAS p21 protein activator 2; plus strand). Cytogenetic location: 3q23.
Variant type: single nucleotide variant.
Coding change: c.1972C>A on transcript NM_006506.5 (MANE Select); coding-DNA position 1972, C replaced by A.
Protein change: p.Leu658Ile; replaces leucine 658 with isoleucine.
Molecular consequence: missense variant.
Genome position (GRCh38, 1-based): chr3:141,607,716, C>A. VCF-style: chr3-141607716-C-A. GRCh37 (hg19) VCF-style: chr3-141326558-C-A.
Other names: c.1975C>A, p.Leu659Ile (NM_001303245.3); c.1984C>A, p.Leu662Ile (NM_001303246.3); short protein forms L659I, L658I, L662I.
Identifiers: ClinVar variation 3430489 (VCV003430489.1).
Genomic context (GRCh38, chr3:141,607,716, plus strand): 5'-TTTTACTTTTTTTATTATTTAGGCAAAGATGCAATCTACACAATCCCAGTAAAAAACATT[C>A]TTGCTGTGGAAAAACTGGAAGAGAGCTCTTTCAACAAGAAAAATGTAAGTTATGTAAATA-3'
Protein context (NP_006497.2, residues 648-668): AIYTIPVKNI[Leu658Ile]AVEKLEESSF